The following is an entry in ClinVar:

NM_000282.4(PCCA):c.1622A>G (p.Gln541Arg)

Gene: PCCA (propionyl-CoA carboxylase subunit alpha; plus strand). Cytogenetic location: 13q32.3.
Variant type: single nucleotide variant.
Coding change: c.1622A>G on transcript NM_000282.4 (MANE Select); coding-DNA position 1622, A replaced by G.
Protein change: p.Gln541Arg; replaces glutamine 541 with arginine.
Molecular consequence: missense variant. On other transcripts: non-coding transcript variant (5).
Genome position (GRCh38, 1-based): chr13:100,340,238, A>G. VCF-style: chr13-100340238-A-G. GRCh37 (hg19) VCF-style: chr13-100992492-A-G.
Other names: c.1544A>G, p.Gln515Arg (NM_001127692.3, NM_001352607.2); c.1622A>G, p.Gln541Arg (NM_001178004.2, NM_001352605.2, NM_001352609.2); c.1478A>G, p.Gln493Arg (NM_001352606.2); c.1400A>G, p.Gln467Arg (NM_001352608.2); c.677A>G, p.Gln226Arg (NM_001352610.2, NM_001352611.2); c.533A>G, p.Gln178Arg (NM_001352612.2); short protein forms Q178R, Q467R, Q515R, Q226R, Q541R, Q493R.
Identifiers: ClinVar variation 1395564 (VCV001395564.6), dbSNP rs2152751997, ClinGen allele CA388696470.

ClinVar aggregate classification (germline): Uncertain significance (1 of 4 stars; one submission).

Conditions:
Propionic acidemia (PROP). Also called: GLYCINEMIA, KETOTIC; HYPERGLYCINEMIA WITH KETOACIDOSIS AND LEUKOPENIA; KETOTIC HYPERGLYCINEMIA. Identifiers: Orphanet 35, MedGen C0268579, MONDO:0011628, OMIM 606054, HP:0003571.

Submission:

Labcorp Genetics (formerly Invitae), Labcorp
Classification: Uncertain significance for Propionic acidemia. Last evaluated: 2022-07-12. Review status: criteria provided, single submitter. Criteria: Invitae Variant Classification Sherloc (09022015). Collection method: clinical testing. Allele origin: germline.
Comment: This sequence change replaces glutamine, which is neutral and polar, with arginine, which is basic and polar, at codon 541 of the PCCA protein (p.Gln541Arg). This variant is not present in population databases (gnomAD no frequency). This variant has not been reported in the literature in individuals affected with PCCA-related conditions. ClinVar contains an entry for this variant (Variation ID: 1395564). Advanced modeling of protein sequence and biophysical properties (such as structural, functional, and spatial information, amino acid conservation, physicochemical variation, residue mobility, and thermodynamic stability) performed at Invitae indicates that this missense variant is not expected to disrupt PCCA protein function. In summary, the available evidence is currently insufficient to determine the role of this variant in disease. Therefore, it has been classified as a Variant of Uncertain Significance.